The following is an entry in ClinVar:

ClinVar aggregate classification (germline): Likely pathogenic (1 of 4 stars; one submission).

Conditions:
Ehlers-Danlos syndrome, type 4 (EDSVASC). Also called: Ehlers-Danlos syndrome vascular type; Ehlers Danlos syndrome, ecchymotic type; Ehlers Danlos syndrome, arterial type; Ehlers Danlos syndrome, Sack-Barabas type; Ehlers-Danlos Syndrome Type IV. Identifiers: Orphanet 286, MedGen C0268338, MONDO:0017314, OMIM 130050.

Submission:

Labcorp Genetics (formerly Invitae), Labcorp
Classification: Likely pathogenic for Ehlers-Danlos syndrome, type 4. Last evaluated: 2024-09-12. Review status: criteria provided, single submitter. Criteria: Invitae Variant Classification Sherloc (09022015). Collection method: clinical testing. Allele origin: germline.
Comment: This sequence change replaces glycine, which is neutral and non-polar, with alanine, which is neutral and non-polar, at codon 870 of the COL3A1 protein (p.Gly870Ala). This variant is not present in population databases (gnomAD no frequency). This variant has not been reported in the literature in individuals affected with COL3A1-related conditions. Experimental studies and prediction algorithms are not available or were not evaluated, and the functional significance of this variant is currently unknown. This variant disrupts the triple helix domain of COL3A1. Glycine residues within the Gly-Xaa-Yaa repeats of the triple helix domain are required for the structure and stability of fibrillar collagens (PMID: 7695699, 8218237, 19344236). In COL3A1, variants that affect these glycine residues are significantly enriched in individuals with disease (PMID: 24922459, 25758994) compared to the general population (ExAC). In summary, the currently available evidence indicates that the variant is pathogenic, but additional data are needed to prove that conclusively. Therefore, this variant has been classified as Likely Pathogenic.

Literature cited by the submitters: PubMed 7695699; PubMed 8218237; PubMed 19344236; PubMed 24922459; PubMed 25758994.

NM_000090.4(COL3A1):c.2609G>C (p.Gly870Ala)

Gene: COL3A1 (collagen type III alpha 1 chain; plus strand). Cytogenetic location: 2q32.2.
Variant type: single nucleotide variant.
Coding change: c.2609G>C on transcript NM_000090.4 (MANE Select); coding-DNA position 2609, G replaced by C.
Protein change: p.Gly870Ala; replaces glycine 870 with alanine.
Molecular consequence: missense variant.
Genome position (GRCh38, 1-based): chr2:189,003,735, G>C. VCF-style: chr2-189003735-G-C. GRCh37 (hg19) VCF-style: chr2-189868461-G-C.
Other names: short protein forms G870A.
Identifiers: ClinVar variation 3677451 (VCV003677451.2).